The following is an entry in ClinVar:

ClinVar aggregate classification (germline): Benign/Likely benign. Review status: criteria provided, multiple submitters, no conflicts (2 of 4 stars). 16 submissions from 15 submitters: Benign (10); Likely benign (2). 4 of the submissions do not count toward it. Last evaluated 2026-02-04.

Conditions:
Cardiovascular phenotype. Identifiers: MedGen CN230736.
Catecholaminergic polymorphic ventricular tachycardia 1. Also called: VENTRICULAR TACHYCARDIA, CATECHOLAMINERGIC POLYMORPHIC, 1, WITH OR WITHOUT ATRIAL DYSFUNCTION AND/OR DILATED CARDIOMYOPATHY; VENTRICULAR TACHYCARDIA, STRESS-INDUCED POLYMORPHIC 1; RYR2-Related Catecholaminergic Polymorphic Ventricular Tachycardia. Identifiers: Orphanet 3286, MedGen C1631597, MONDO:0011484, OMIM 604772.
Cardiomyopathy (CMYO). Also called: Cardiomyopathies. Identifiers: Orphanet 167848, MedGen C0878544, MONDO:0004994, HP:0001638. Inheritance: Various modes of inheritance.
Arrhythmogenic right ventricular dysplasia 2. Identifiers: MedGen C1832931.
Catecholaminergic polymorphic ventricular tachycardia (CVPT). Also called: Catecholamine-induced polymorphic ventricular tachycardia. Identifiers: Orphanet 3286, MedGen C5574922, MONDO:0017990.

Allele frequency attached by ClinVar (database versions not stated): gnomAD exomes 0.01169 and 0.01533; 1000 Genomes Project 0.01238; gnomAD 0.01266 and 0.01290; 1000 Genomes Project 30x 0.01280; TOPMed 0.01370; ExAC 0.01393; ESP Exome Variant Server 0.01489.
gnomAD v4.1: 24,165 of 1,605,234 alleles (1.5%); highest among the groups gnomAD compares: Middle Eastern, 2.3%; 224 homozygotes.

Submissions (23):

Labcorp Genetics (formerly Invitae), Labcorp
Classification: Benign for Catecholaminergic polymorphic ventricular tachycardia 1. Last evaluated: 2026-02-04. Review status: criteria provided, single submitter. Criteria: Invitae Variant Classification Sherloc (09022015). Collection method: clinical testing. Allele origin: germline.

ARUP Laboratories, Molecular Genetics and Genomics, ARUP Laboratories
Classification: Benign. Last evaluated: 2025-04-02. Review status: criteria provided, single submitter. Criteria: ARUP Molecular Germline Variant Investigation Process 2024. Collection method: clinical testing. Allele origin: germline.

Blueprint Genetics
Classification: Benign. Last evaluated: 2024-11-22. Review status: criteria provided, single submitter. Criteria: ACMG Guidelines, 2015. Collection method: clinical testing. Allele origin: germline.

All of Us Research Program, National Institutes of Health
Classification: Benign for Catecholaminergic polymorphic ventricular tachycardia. Last evaluated: 2024-02-05. Review status: criteria provided, single submitter. Criteria: ACMG Guidelines, 2015. Collection method: clinical testing. Allele origin: germline. Inheritance: Autosomal dominant inheritance. Observed: 2,954 variant alleles, 2,932 heterozygotes, 22 homozygotes.
Comment: This study involves interpretation of variants in research participants for the purpose of population health screening. Participant phenotype was not available at the time of variant classification. Additional details can be found in publication PMID: 35346344, PMCID: PMC8962531

Mayo Clinic Laboratories, Mayo Clinic
Classification: Benign. Last evaluated: 2022-11-22. Review status: criteria provided, single submitter. Criteria: ACMG Guidelines, 2015. Collection method: clinical testing. Allele origin: germline. Observed: 33 variant alleles.
Comment: BS1, BS2

Color Diagnostics, LLC DBA Color Health
Classification: Benign for Cardiomyopathy. Last evaluated: 2018-03-15. Review status: criteria provided, single submitter. Criteria: ACMG Guidelines, 2015. Collection method: clinical testing. Allele origin: germline.

Illumina Laboratory Services, Illumina
Classification: Benign for Catecholaminergic polymorphic ventricular tachycardia 1. Last evaluated: 2018-01-13. Review status: criteria provided, single submitter. Criteria: ICSL Variant Classification Criteria 13 December 2019. Collection method: clinical testing. Allele origin: germline.
Comment: This variant was observed in the ICSL laboratory as part of a predisposition screen in an ostensibly healthy population. It had not been previously curated by ICSL or reported in the Human Gene Mutation Database (HGMD: prior to June 1st, 2018), and was therefore a candidate for classification through an automated scoring system. Utilizing variant allele frequency, disease prevalence and penetrance estimates, and inheritance mode, an automated score was calculated to assess if this variant is too frequent to cause the disease. Based on the score and internal cut-off values, a variant classified as benign is not then subjected to further curation. The score for this variant resulted in a classification of benign for this disease.

Illumina Laboratory Services, Illumina
Classification: Likely benign for Catecholaminergic polymorphic ventricular tachycardia 1. Last evaluated: 2018-01-13. Review status: criteria provided, single submitter. Criteria: ICSL Variant Classification Criteria 13 December 2019. Collection method: clinical testing. Allele origin: germline.
Comment: This variant was observed in the ICSL laboratory as part of a predisposition screen in an ostensibly healthy population. It had not been previously curated by ICSL or reported in the Human Gene Mutation Database (HGMD: prior to June 1st, 2018), and was therefore a candidate for classification through an automated scoring system. Utilizing variant allele frequency, disease prevalence and penetrance estimates, and inheritance mode, an automated score was calculated to assess if this variant is too frequent to cause the disease. Based on the score and internal cut-off values, a variant classified as likely benign is not then subjected to further curation. The score for this variant resulted in a classification of likely benign for this disease.

Ambry Genetics
Classification: Benign for Cardiovascular phenotype. Last evaluated: 2015-07-28. Review status: criteria provided, single submitter. Criteria: Ambry Variant Classification Scheme 2023. Collection method: clinical testing. Allele origin: germline.

GeneDx
Classification: Benign. Last evaluated: 2015-03-03. Review status: criteria provided, single submitter. Criteria: GeneDx Variant Classification Process June 2021. Collection method: clinical testing. Allele origin: germline. Affected: yes.

Laboratory for Molecular Medicine, Mass General Brigham Personalized Medicine
Classification: Benign. Last evaluated: 2011-11-04. Review status: criteria provided, single submitter. Criteria: LMM Criteria. Collection method: clinical testing. Allele origin: germline. Observed: 45 variant alleles.

Breakthrough Genomics
Classification: Likely benign. Review status: criteria provided, single submitter. Criteria: ACMG Guidelines, 2015. Collection method: not provided. Allele origin: germline. Inheritance: Autosomal dominant inheritance. Affected: yes.

Clinical Genetics DNA and cytogenetics Diagnostics Lab, Erasmus MC, Erasmus Medical Center
Classification: Benign. Review status: no assertion criteria provided. Collection method: clinical testing. Allele origin: germline. Affected: yes. Study: VKGL Data-share Consensus. Not counted in ClinVar's aggregate classification.

Clinical Genetics, Academic Medical Center
Classification: Benign. Review status: no assertion criteria provided. Collection method: clinical testing. Allele origin: germline. Affected: yes. Study: VKGL Data-share Consensus. Not counted in ClinVar's aggregate classification.

Diagnostic Laboratory, Department of Genetics, University Medical Center Groningen
Classification: Likely benign. Review status: no assertion criteria provided. Collection method: clinical testing. Allele origin: germline. Affected: yes. Study: VKGL Data-share Consensus. Not counted in ClinVar's aggregate classification.

Dr. Peter K. Rogan Lab, Western University
No classification provided (evidence only). Condition: Lung cancer. Review status: no classification provided. Collection method: in vitro. Allele origin: not applicable. Functional consequence: retained intron. Not counted in ClinVar's aggregate classification.

Dr. Peter K. Rogan Lab, Western University
No classification provided (evidence only). Condition: Lung cancer. Review status: no classification provided. Collection method: in vitro. Allele origin: not applicable. Functional consequence: retained intron. Not counted in ClinVar's aggregate classification.

Dr. Peter K. Rogan Lab, Western University
No classification provided (evidence only). Condition: Thyroid cancer, nonmedullary, 1. Review status: no classification provided. Collection method: in vitro. Allele origin: not applicable. Functional consequence: retained intron. Not counted in ClinVar's aggregate classification.

Dr. Peter K. Rogan Lab, Western University
No classification provided (evidence only). Condition: Sarcoma. Review status: no classification provided. Collection method: in vitro. Allele origin: not applicable. Functional consequence: retained intron. Not counted in ClinVar's aggregate classification.

Dr. Peter K. Rogan Lab, Western University
No classification provided (evidence only). Condition: Gastric cancer. Review status: no classification provided. Collection method: in vitro. Allele origin: not applicable. Functional consequence: retained intron. Not counted in ClinVar's aggregate classification.

Dr. Peter K. Rogan Lab, Western University
No classification provided (evidence only). Condition: Clear cell carcinoma of kidney. Review status: no classification provided. Collection method: in vitro. Allele origin: not applicable. Functional consequence: retained intron. Not counted in ClinVar's aggregate classification.

Dr. Peter K. Rogan Lab, Western University
No classification provided (evidence only). Condition: Lung cancer. Review status: no classification provided. Collection method: in vitro. Allele origin: not applicable. Functional consequence: retained intron. Not counted in ClinVar's aggregate classification.

Joint Genome Diagnostic Labs from Nijmegen and Maastricht, Radboudumc and MUMC+
Classification: Benign. Review status: no assertion criteria provided. Collection method: clinical testing. Allele origin: germline. Affected: yes. Study: VKGL Data-share Consensus. Not counted in ClinVar's aggregate classification.

NM_001035.3(RYR2):c.11988C>T (p.Gly3996=)

Gene: RYR2 (ryanodine receptor 2; plus strand). Cytogenetic location: 1q43.
Variant type: single nucleotide variant.
Coding change: c.11988C>T on transcript NM_001035.3 (MANE Select); coding-DNA position 11988, C replaced by T.
Protein change: p.Gly3996=; no amino-acid change (glycine 3996 retained).
Molecular consequence: synonymous variant.
Genome position (GRCh38, 1-based): chr1:237,783,700, C>T. VCF-style: chr1-237783700-C-T. GRCh37 (hg19) VCF-style: chr1-237947000-C-T.
Other names: p.Gly3996=.
Identifiers: ClinVar variation 43717 (VCV000043717.49), dbSNP rs56226196, ClinGen allele CA007297.